The following is an entry in ClinVar:

ClinVar aggregate classification (germline): Benign. Review status: criteria provided, multiple submitters, no conflicts (2 of 4 stars). 5 submissions from 5 submitters: Benign (4). 1 of the submissions does not count toward it. Last evaluated 2021-07-08.

Conditions:
Nephrotic syndrome, type 2 (NPHS2). Also called: NEPHROTIC SYNDROME, STEROID-RESISTANT, AUTOSOMAL RECESSIVE. Identifiers: Orphanet 656, MedGen C1868672, MONDO:0010974, OMIM 600995.

Allele frequency attached by ClinVar (database versions not stated): TOPMed 0.15678; gnomAD 0.16200; 1000 Genomes Project 30x 0.18270; 1000 Genomes Project 0.19169.
gnomAD v4.1: 130,408 of 652,868 alleles (20%); highest among the groups gnomAD compares: East Asian, 35%; 14,479 homozygotes.

Submissions (5):

Genome-Nilou Lab
Classification: Benign for Nephrotic syndrome, type 2. Last evaluated: 2021-07-08. Review status: criteria provided, single submitter. Criteria: ACMG Guidelines, 2015. Collection method: clinical testing. Allele origin: germline. Affected: no.

GeneDx
Classification: Benign. Last evaluated: 2018-11-12. Review status: criteria provided, single submitter. Criteria: GeneDx Variant Classification Process June 2021. Collection method: clinical testing. Allele origin: germline. Affected: yes.

Illumina Laboratory Services, Illumina
Classification: Benign for Nephrotic syndrome, type 2. Last evaluated: 2018-01-13. Review status: criteria provided, single submitter. Criteria: ICSL Variant Classification Criteria 13 December 2019. Collection method: clinical testing. Allele origin: germline.
Comment: This variant was observed in the ICSL laboratory as part of a predisposition screen in an ostensibly healthy population. It had not been previously curated by ICSL or reported in the Human Gene Mutation Database (HGMD: prior to June 1st, 2018), and was therefore a candidate for classification through an automated scoring system. Utilizing variant allele frequency, disease prevalence and penetrance estimates, and inheritance mode, an automated score was calculated to assess if this variant is too frequent to cause the disease. Based on the score and internal cut-off values, a variant classified as benign is not then subjected to further curation. The score for this variant resulted in a classification of benign for this disease.

Breakthrough Genomics
Classification: Benign. Review status: criteria provided, single submitter. Criteria: ACMG Guidelines, 2015. Collection method: not provided. Allele origin: germline. Inheritance: Autosomal recessive inheritance. Affected: yes.

Human Genetics Disease in Children – Taif University, Taif University
Classification: Benign for Nephrotic syndrome, type 2. Last evaluated: 2016-01-01. Review status: no assertion criteria provided. Collection method: clinical testing. Allele origin: unknown. Affected: yes. Not counted in ClinVar's aggregate classification.

NM_014625.4(NPHS2):c.*200G>A

Genes: AXDND1 (axonemal dynein light chain domain containing 1; plus strand), NPHS2 (NPHS2 stomatin family member, podocin; minus strand). Cytogenetic location: 1q25.2.
Variant type: single nucleotide variant.
Coding change: c.*200G>A on transcript NM_014625.4 (MANE Select); 200 bases downstream of the stop codon, G replaced by A.
Molecular consequence: 3 prime UTR variant. On other transcripts: intron variant (1).
Genome position (GRCh38, 1-based): chr1:179,550,973, C>T on the plus strand (G>A on the coding strand, the complement: NPHS2 is on the minus strand). VCF-style: chr1-179550973-C-T. GRCh37 (hg19) VCF-style: chr1-179520108-C-T.
Other names: c.*200G>A (NM_001297575.2); c.3032-3539C>T (NM_144696.6).
Identifiers: ClinVar variation 224484 (VCV000224484.12), dbSNP rs2274623, ClinGen allele CA354117.